The following is an entry in ClinVar:

NM_052867.4(NALCN):c.2816C>T (p.Ala939Val)

Gene: NALCN (sodium leak channel, non-selective; minus strand). Cytogenetic location: 13q33.1.
Variant type: single nucleotide variant.
Coding change: c.2816C>T on transcript NM_052867.4 (MANE Select); coding-DNA position 2816, C replaced by T.
Protein change: p.Ala939Val; replaces alanine 939 with valine.
Molecular consequence: missense variant.
Genome position (GRCh38, 1-based): chr13:101,104,368, G>A on the plus strand (C>T on the coding strand, the complement: NALCN is on the minus strand). VCF-style: chr13-101104368-G-A. GRCh37 (hg19) VCF-style: chr13-101756719-G-A.
Other names: c.2903C>T, p.Ala968Val (NM_001350748.2); c.2816C>T, p.Ala939Val (NM_001350749.2); c.2729C>T, p.Ala910Val (NM_001350750.2, NM_001350751.2); short protein forms A910V, A939V, A968V.
Identifiers: ClinVar variation 3371272 (VCV003371272.1).

ClinVar aggregate classification (germline): Uncertain significance (1 of 4 stars; one submission).

gnomAD v4.1: 2 of 1,613,828 alleles (0.00012%); highest among the groups gnomAD compares: Non-Finnish European, 0.00017%; no homozygotes.

Submission:

GeneDx
Classification: Uncertain significance. Last evaluated: 2024-03-27. Review status: criteria provided, single submitter. Criteria: GeneDx Variant Classification Process June 2021. Collection method: clinical testing. Allele origin: germline. Affected: yes.
Comment: Not observed at significant frequency in large population cohorts (gnomAD); In silico analysis supports that this missense variant has a deleterious effect on protein structure/function; Has not been previously published as pathogenic or benign to our knowledge